The following is an entry in ClinVar:

NM_001267550.2(TTN):c.62610dup (p.Leu20871fs)

Genes: TTN (titin; minus strand), TTN-AS1 (TTN antisense RNA 1; plus strand). Cytogenetic location: 2q31.2.
Variant type: Duplication.
Coding change: c.62610dup on transcript NM_001267550.2 (MANE Select); coding-DNA position 62610, one base duplicated (T; older notation c.62610dupT).
Protein change: p.Leu20871fs; shifts the reading frame from leucine 20871.
Molecular consequence: frameshift variant.
Genome position (GRCh38, 1-based): chr2:178,589,115, A duplicated on the plus strand (T on the coding strand, the reverse complement: TTN is on the minus strand). VCF-style (leftmost placement, unchanged base first): chr2-178589114-G-GA. GRCh37 (hg19) VCF-style: chr2-179453841-G-GA.
Other names: c.35415dupT (NM_003319.4); c.57687dup, p.Leu19230fs (NM_001256850.1); c.35415dup, p.Leu11806fs (NM_003319.4); c.54906dup, p.Leu18303fs (NM_133378.4); c.35790dup, p.Leu11931fs (NM_133432.3); c.35991dup, p.Leu11998fs (NM_133437.4); short protein forms L11931fs, L18303fs, L20871fs, L11806fs, L19230fs, L11998fs.
Identifiers: ClinVar variation 3463751 (VCV003463751.2).
Genomic context (GRCh38, chr2:178,589,114, plus strand): 5'-CATCTTCTGGTGGATCCCAGCAAACAGTACACCTATCACTGGACACATCAACAATTTTCA[G>GA]ATTTCTCACAGGACCAGGCTTATCTAAAACATTGACAGTGGCATAGGCCACAAAACTGCC-3'

ClinVar aggregate classification (germline): Likely pathogenic (1 of 4 stars; one submission).

Conditions:
Cardiovascular phenotype. Identifiers: MedGen CN230736.

Submission:

Ambry Genetics
Classification: Likely pathogenic for Cardiovascular phenotype. Last evaluated: 2025-09-02. Review status: criteria provided, single submitter. Criteria: Ambry Variant Classification Scheme 2023. Collection method: clinical testing. Allele origin: germline.
Comment: The c.35415dupT variant, located in coding exon 131 of the TTN gene, results from a duplication of T at nucleotide position 35415, causing a translational frameshift with a predicted alternate stop codon (p.L11806Sfs*5). This exon is located in the A-band region of the N2-B isoform of the titin protein and is constitutively expressed in TTN transcripts (percent spliced in or PSI 100%). This variant is considered to be rare based on population cohorts in the Genome Aggregation Database (gnomAD). This variant is expected to result in loss of function by premature protein truncation or nonsense-mediated mRNA decay. While truncating variants in TTN are present in 1-3% of the general population, truncating variants in the A-band are the most common cause of dilated cardiomyopathy (Herman DS et al. N. Engl. J. Med., 2012 Feb;366:619-28; Roberts AM et al. Sci Transl Med, 2015 Jan;7:270ra6). TTN truncating variants encoded in constitutive exons (PSI >90%) have been found to be significantly associated with DCM regardless of their position in titin (Schafer S et al. Nat. Genet., 2017 01;49:46-53; Akhtar MM et al. Circ Heart Fail, 2020 Oct;13:e006832; Massier M et al. Clin Genet, 2025 Jan). Based on the majority of available evidence to date, this variant is likely to be pathogenic.